The following is an entry in ClinVar:

ClinVar aggregate classification (germline): Uncertain significance. Review status: criteria provided, multiple submitters, no conflicts (2 of 4 stars). 2 submissions from 2 submitters: Uncertain significance (2). Last evaluated 2025-12-24.

Conditions:
Hereditary cancer-predisposing syndrome. Also called: Tumor predisposition; Hereditary neoplastic syndrome; Neoplastic Syndromes, Hereditary; Hereditary Cancer Syndrome. Identifiers: Orphanet 140162, MedGen C0027672, MeSH D009386, MONDO:0015356.

gnomAD v4.1: 1 of 1,546,980 alleles (0.000065%); no homozygotes.

Submissions (2):

Labcorp Genetics (formerly Invitae), Labcorp
Classification: Uncertain significance. Last evaluated: 2025-12-24. Review status: criteria provided, single submitter. Criteria: Invitae Variant Classification Sherloc (09022015). Collection method: clinical testing. Allele origin: germline.
Comment: This sequence change replaces serine, which is neutral and polar, with leucine, which is neutral and non-polar, at codon 11 of the FH protein (p.Ser11Leu). The frequency data for this variant in the population databases is considered unreliable, as metrics indicate poor data quality at this position in the gnomAD database. This variant has not been reported in the literature in individuals affected with FH-related conditions. ClinVar contains an entry for this variant (Variation ID: 1360752). Invitae Evidence Modeling of protein sequence and biophysical properties (such as structural, functional, and spatial information, amino acid conservation, physicochemical variation, residue mobility, and thermodynamic stability) indicates that this missense variant is not expected to disrupt FH protein function with a negative predictive value of 95%. In summary, the available evidence is currently insufficient to determine the role of this variant in disease. Therefore, it has been classified as a Variant of Uncertain Significance.

Ambry Genetics
Classification: Uncertain significance for Hereditary cancer-predisposing syndrome. Last evaluated: 2023-12-21. Review status: criteria provided, single submitter. Criteria: Ambry Variant Classification Scheme 2023. Collection method: clinical testing. Allele origin: germline.
Comment: The p.S11L variant (also known as c.32C>T), located in coding exon 1 of the FH gene, results from a C to T substitution at nucleotide position 32. The serine at codon 11 is replaced by leucine, an amino acid with dissimilar properties. This amino acid position is well conserved in available vertebrate species; however, leucine is the reference amino acid in other vertebrate species. In addition, the in silico prediction for this alteration is inconclusive. Since supporting evidence is limited at this time, the clinical significance of this alteration remains unclear.

NM_000143.4(FH):c.32C>T (p.Ser11Leu)

Gene: FH (fumarate hydratase; minus strand). Cytogenetic location: 1q43.
Variant type: single nucleotide variant.
Coding change: c.32C>T on transcript NM_000143.4 (MANE Select); coding-DNA position 32, C replaced by T.
Protein change: p.Ser11Leu; replaces serine 11 with leucine.
Molecular consequence: missense variant.
Genome position (GRCh38, 1-based): chr1:241,519,691, G>A on the plus strand (C>T on the coding strand, the complement: FH is on the minus strand). VCF-style: chr1-241519691-G-A. GRCh37 (hg19) VCF-style: chr1-241682991-G-A.
Other names: c.32C>T (NM_000143.3); short protein forms S11L.
Identifiers: ClinVar variation 1360752 (VCV001360752.7), dbSNP rs1226883651, ClinGen allele CA345443018.